The following is an entry in ClinVar:

ClinVar aggregate classification (germline): Likely pathogenic (1 of 4 stars; one submission).

Conditions:
EPHB4-related disorder. Also called: EPHB4-related disorders; EPHB4-related condition.

Submission:

PreventionGenetics, part of Exact Sciences
Classification: Likely pathogenic for EPHB4-related condition. Last evaluated: 2022-09-08. Review status: criteria provided, single submitter. Criteria: ACMG Guidelines, 2015. Collection method: clinical testing. Allele origin: germline.
Comment: The EPHB4 c.1087G>T variant is predicted to result in premature protein termination (p.Glu363*). To our knowledge, this variant has not been reported in the literature or in a large population database, indicating this variant is rare. However, nonsense variants in EPHB4 are expected to be pathogenic and have been reported upstream and downstream of this variant in patients with Capillary malformation-arteriovenous malformation phenotypes (Amyere et al. 2017. PubMed ID: 28687708; HGMD: Human Gene Mutation Database). Taken together, this variant is interpreted as likely pathogenic.

NM_004444.5(EPHB4):c.1087G>T (p.Glu363Ter)

Gene: EPHB4 (EPH receptor B4; minus strand). Cytogenetic location: 7q22.1.
Variant type: single nucleotide variant.
Coding change: c.1087G>T on transcript NM_004444.5 (MANE Select); coding-DNA position 1087, G replaced by T.
Protein change: p.Glu363Ter; replaces glutamic acid 363 with a stop codon.
Molecular consequence: nonsense.
Genome position (GRCh38, 1-based): chr7:100,819,767, C>A on the plus strand (G>T on the coding strand, the complement: EPHB4 is on the minus strand). VCF-style: chr7-100819767-C-A. GRCh37 (hg19) VCF-style: chr7-100417389-C-A.
Other names: short protein forms E363*.
Identifiers: ClinVar variation 2636239 (VCV002636239.1), dbSNP rs1302206828, ClinGen allele CA368576564.
Genomic context (GRCh38, chr7:100,819,767, plus strand): 5'-GGCCGGGGTCAAAAGTCAGGTCTCCCCCGCAGGGCGCACAGGAGCCTCCGGGTCGGCACT[C>A]CCGGCAGCGGAGGGCGTAGGTGAGGTCCTCTCGGCCACCAGACTCCAGGGGGGCACTCCA-3'